The following is an entry in ClinVar:

NM_000368.5(TSC1):c.2551C>G (p.Gln851Glu)

Gene: TSC1 (TSC complex subunit 1; minus strand). Cytogenetic location: 9q34.13.
Variant type: single nucleotide variant.
Coding change: c.2551C>G on transcript NM_000368.5 (MANE Select); coding-DNA position 2551, C replaced by G.
Protein change: p.Gln851Glu; replaces glutamine 851 with glutamic acid.
Molecular consequence: missense variant.
Genome position (GRCh38, 1-based): chr9:132,900,789, G>C on the plus strand (C>G on the coding strand, the complement: TSC1 is on the minus strand). VCF-style: chr9-132900789-G-C. GRCh37 (hg19) VCF-style: chr9-135776176-G-C.
Other names: c.2548C>G, p.Gln850Glu (NM_001162426.2); c.2398C>G, p.Gln800Glu (NM_001162427.2); c.2188C>G, p.Gln730Glu (NM_001362177.2); short protein forms Q850E, Q851E, Q730E, Q800E.
Identifiers: ClinVar variation 656500 (VCV000656500.8), dbSNP rs1588297391, ClinGen allele CA375370149.

ClinVar aggregate classification (germline): Uncertain significance (1 of 4 stars; one submission).

Conditions:
Tuberous sclerosis 1 (TSC1). Identifiers: Orphanet 805, MedGen C1854465, MONDO:0008612, OMIM 191100.

Submission:

Labcorp Genetics (formerly Invitae), Labcorp
Classification: Uncertain significance for Tuberous sclerosis 1. Last evaluated: 2022-05-04. Review status: criteria provided, single submitter. Criteria: Invitae Variant Classification Sherloc (09022015). Collection method: clinical testing. Allele origin: germline.
Comment: This sequence change replaces glutamine, which is neutral and polar, with glutamic acid, which is acidic and polar, at codon 851 of the TSC1 protein (p.Gln851Glu). In summary, the available evidence is currently insufficient to determine the role of this variant in disease. Therefore, it has been classified as a Variant of Uncertain Significance. Algorithms developed to predict the effect of missense changes on protein structure and function (SIFT, PolyPhen-2, Align-GVGD) all suggest that this variant is likely to be tolerated. ClinVar contains an entry for this variant (Variation ID: 656500). This variant has not been reported in the literature in individuals affected with TSC1-related conditions. This variant is not present in population databases (gnomAD no frequency).